The following is an entry in ClinVar:

NM_017654.4(SAMD9):c.121G>A (p.Val41Met)

Gene: SAMD9 (sterile alpha motif domain containing 9; minus strand). Cytogenetic location: 7q21.2.
Variant type: single nucleotide variant.
Coding change: c.121G>A on transcript NM_017654.4 (MANE Select); coding-DNA position 121, G replaced by A.
Protein change: p.Val41Met; replaces valine 41 with methionine.
Molecular consequence: missense variant.
Genome position (GRCh38, 1-based): chr7:93,105,977, C>T on the plus strand (G>A on the coding strand, the complement: SAMD9 is on the minus strand). VCF-style: chr7-93105977-C-T. GRCh37 (hg19) VCF-style: chr7-92735290-C-T.
Other names: c.121G>A, p.Val41Met (NM_001193307.2); c.121G>A (NM_017654.3); short protein forms V41M.
Identifiers: ClinVar variation 1391229 (VCV001391229.7), dbSNP rs375408867, ClinGen allele CA4343213.
Genomic context (GRCh38, chr7:93,105,977, plus strand): 5'-GTGTGATGCCCATATCAACAAGATGTTCTTTTTTTAACCACTTCAAGACTGCTCCATTCA[C>T]GTCTTGTTCAGTCAAAATTTCCCTGTGTTTTTGGTCAATCTTATGACTTTCTAACCACTG-3'
Protein context (NP_060124.2, residues 31-51): KHREILTEQD[Val41Met]NGAVLKWLKK

ClinVar aggregate classification (germline): Uncertain significance. Review status: criteria provided, multiple submitters, no conflicts (2 of 4 stars). 2 submissions from 2 submitters: Uncertain significance (2). Last evaluated 2025-07-08.

Conditions:
Inborn genetic diseases. Identifiers: MedGen C0950123, MeSH D030342.

Allele frequency attached by ClinVar (database versions not stated): ExAC 0.00002; gnomAD 0.00002; ESP Exome Variant Server 0.00008.

Submissions (2):

Labcorp Genetics (formerly Invitae), Labcorp
Classification: Uncertain significance. Last evaluated: 2025-07-08. Review status: criteria provided, single submitter. Criteria: Invitae Variant Classification Sherloc (09022015). Collection method: clinical testing. Allele origin: germline.
Comment: This sequence change replaces valine, which is neutral and non-polar, with methionine, which is neutral and non-polar, at codon 41 of the SAMD9 protein (p.Val41Met). This variant is present in population databases (rs375408867, gnomAD 0.006%). This variant has not been reported in the literature in individuals affected with SAMD9-related conditions. ClinVar contains an entry for this variant (Variation ID: 1391229). Invitae Evidence Modeling of protein sequence and biophysical properties (such as structural, functional, and spatial information, amino acid conservation, physicochemical variation, residue mobility, and thermodynamic stability) indicates that this missense variant is not expected to disrupt SAMD9 protein function with a negative predictive value of 95%. In summary, the available evidence is currently insufficient to determine the role of this variant in disease. Therefore, it has been classified as a Variant of Uncertain Significance.

Ambry Genetics
Classification: Uncertain significance for Inborn genetic diseases. Last evaluated: 2024-10-04. Review status: criteria provided, single submitter. Criteria: Ambry Variant Classification Scheme 2023. Collection method: clinical testing. Allele origin: germline.
Comment: The p.V41M variant (also known as c.121G>A), located in coding exon 1 of the SAMD9 gene, results from a G to A substitution at nucleotide position 121. The valine at codon 41 is replaced by methionine, an amino acid with highly similar properties. This amino acid position is conserved. In addition, this alteration is predicted to be tolerated by in silico analysis. Based on the available evidence, the clinical significance of this variant remains unclear.